The following is an entry in ClinVar:

NM_001101.5(ACTB):c.306C>A (p.Pro102=)

Gene: ACTB (actin beta; minus strand). Cytogenetic location: 7p22.1.
Variant type: single nucleotide variant.
Coding change: c.306C>A on transcript NM_001101.5 (MANE Select); coding-DNA position 306, C replaced by A.
Protein change: p.Pro102=; no amino-acid change (proline 102 retained).
Molecular consequence: synonymous variant.
Genome position (GRCh38, 1-based): chr7:5,529,218, G>T on the plus strand (C>A on the coding strand, the complement: ACTB is on the minus strand). VCF-style: chr7-5529218-G-T. GRCh37 (hg19) VCF-style: chr7-5568849-G-T.
Other names: c.306C>A (LRG_132t1).
Identifiers: ClinVar variation 388150 (VCV000388150.1), dbSNP rs769021550, ClinGen allele CA16605328.
Genomic context (GRCh38, chr7:5,529,218, plus strand): 5'-CACCTGGGTCATCTTCTCGCGGTTGGCCTTGGGGTTCAGGGGGGCCTCGGTCAGCAGCAC[G>T]GGGTGCTCCTCGGGAGCCACACGCAGCTCATTGTAGAAGGTGTGGTGCCAGATTTTCTCC-3'
Protein context (NP_001092.1, residues 92-112): NELRVAPEEH[Pro102=]VLLTEAPLNP

ClinVar aggregate classification (germline): Likely benign (1 of 4 stars; one submission).

Submission:

GeneDx
Classification: Likely benign. Last evaluated: 2016-07-29. Review status: criteria provided, single submitter. Criteria: GeneDx Variant Classification (06012015). Collection method: clinical testing. Allele origin: germline. Affected: yes.
Comment: This variant is considered likely benign or benign based on one or more of the following criteria: it is a conservative change, it occurs at a poorly conserved position in the protein, it is predicted to be benign by multiple in silico algorithms, and/or has population frequency not consistent with disease.